The following is an entry in ClinVar:

NM_024675.4(PALB2):c.2881_2883del (p.Leu961del)

Gene: PALB2 (partner and localizer of BRCA2; minus strand). Cytogenetic location: 16p12.2.
Variant type: Deletion.
Coding change: c.2881_2883del on transcript NM_024675.4 (MANE Select); coding-DNA positions 2881 to 2883, 3 bases deleted (CTG; older notation c.2881_2883delCTG).
Protein change: p.Leu961del; deletes leucine 961.
Molecular consequence: inframe deletion.
Genome position (GRCh38, 1-based): chr16:23,623,082-23,623,084, CAG deleted on the plus strand (CTG on the coding strand, the reverse complement: PALB2 is on the minus strand). VCF-style (leftmost placement, unchanged base first): chr16-23623081-TCAG-T. GRCh37 (hg19) VCF-style: chr16-23634402-TCAG-T.
Other names: c.2881_2883delCTG (NM_024675.3); short protein forms L961del.
Identifiers: ClinVar variation 566490 (VCV000566490.14), dbSNP rs1567213797, ClinGen allele CA891844514.

ClinVar aggregate classification (germline): Uncertain significance. Review status: criteria provided, multiple submitters, no conflicts (2 of 4 stars). 2 submissions from 2 submitters: Uncertain significance (2). Last evaluated 2021-06-03.

Conditions:
Hereditary cancer-predisposing syndrome. Also called: Neoplastic Syndromes, Hereditary; Tumor predisposition; Hereditary neoplastic syndrome; Hereditary Cancer Syndrome. Identifiers: Orphanet 140162, MedGen C0027672, MeSH D009386, MONDO:0015356.
Familial cancer of breast. Also called: BREAST CANCER, FAMILIAL; Hereditary breast cancer; hereditary breast carcinoma. Identifiers: Orphanet 227535, MedGen C0346153, MONDO:0016419, OMIM 114480. Disease mechanism: loss of function.

Submissions (2):

Ambry Genetics
Classification: Uncertain significance for Hereditary cancer-predisposing syndrome. Last evaluated: 2021-06-03. Review status: criteria provided, single submitter. Criteria: Ambry Variant Classification Scheme 2023. Collection method: clinical testing. Allele origin: germline.
Comment: The c.2881_2883delCTG variant (also known as p.L961del) is located in coding exon 9 of the PALB2 gene. This variant results from an in-frame CTG deletion at nucleotide positions 2881 to 2883. This results in the in-frame deletion of a leucine at codon 961. This amino acid position is well conserved in available vertebrate species. In addition, this alteration is predicted to be deleterious by in silico analysis (Choi Y et al. PLoS ONE. 2012; 7(10):e46688). Since supporting evidence is limited at this time, the clinical significance of this alteration remains unclear.

Labcorp Genetics (formerly Invitae), Labcorp
Classification: Uncertain significance for Familial cancer of breast. Last evaluated: 2019-06-19. Review status: criteria provided, single submitter. Criteria: Invitae Variant Classification Sherloc (09022015). Collection method: clinical testing. Allele origin: germline.
Comment: In summary, the available evidence is currently insufficient to determine the role of this variant in disease. Therefore, it has been classified as a Variant of Uncertain Significance. Experimental studies and prediction algorithms are not available for this variant, and the functional significance of the deleted amino acid is currently unknown. This variant has not been reported in the literature in individuals with PALB2-related disease. This variant is not present in population databases (ExAC no frequency). This variant, c.2881_2883delCTG, results in the deletion of 1 amino acid of the PALB2 protein (p.Leu961del), but otherwise preserves the integrity of the reading frame.